The following is an entry in ClinVar:

NM_024301.5(FKRP):c.820A>T (p.Ile274Phe)

Gene: FKRP (fukutin related protein; plus strand). Cytogenetic location: 19q13.32.
Variant type: single nucleotide variant.
Coding change: c.820A>T on transcript NM_024301.5 (MANE Select); coding-DNA position 820, A replaced by T.
Protein change: p.Ile274Phe; replaces isoleucine 274 with phenylalanine.
Molecular consequence: missense variant.
Genome position (GRCh38, 1-based): chr19:46,756,270, A>T. VCF-style: chr19-46756270-A-T. GRCh37 (hg19) VCF-style: chr19-47259527-A-T.
Other names: c.820A>T, p.Ile274Phe (NM_001039885.3); short protein forms I274F.
Identifiers: ClinVar variation 408717 (VCV000408717.6), dbSNP rs1060502107, ClinGen allele CA16616085.

ClinVar aggregate classification (germline): Uncertain significance (1 of 4 stars; one submission).

Conditions:
Walker-Warburg congenital muscular dystrophy. Also called: Muscular dystrophy-dystroglycanopathy, type A; Walker-Warburg syndrome. Identifiers: Orphanet 899, MedGen C0265221, MONDO:0000171.

gnomAD v4.1: 1 of 1,506,992 alleles (0.000066%); highest among the groups gnomAD compares: Non-Finnish European, 0.000088%; no homozygotes.

Submission:

Labcorp Genetics (formerly Invitae), Labcorp
Classification: Uncertain significance for Walker-Warburg congenital muscular dystrophy. Last evaluated: 2021-09-01. Review status: criteria provided, single submitter. Criteria: Invitae Variant Classification Sherloc (09022015). Collection method: clinical testing. Allele origin: germline.
Comment: This sequence change replaces isoleucine with phenylalanine at codon 274 of the FKRP protein (p.Ile274Phe). The isoleucine residue is moderately conserved and there is a small physicochemical difference between isoleucine and phenylalanine. The frequency data for this variant in the population databases is considered unreliable, as metrics indicate insufficient coverage at this position in the ExAC database. This variant has not been reported in the literature in individuals affected with FKRP-related conditions. Algorithms developed to predict the effect of missense changes on protein structure and function are either unavailable or do not agree on the potential impact of this missense change (SIFT: "Deleterious"; PolyPhen-2: "Benign"; Align-GVGD: "Class C0"). In summary, the available evidence is currently insufficient to determine the role of this variant in disease. Therefore, it has been classified as a Variant of Uncertain Significance.